The following is an entry in ClinVar:

ClinVar aggregate classification (germline): Uncertain significance (1 of 4 stars; one submission).

Submission:

Ambry Genetics
Classification: Uncertain significance. Last evaluated: 2025-10-27. Review status: criteria provided, single submitter. Criteria: Ambry Variant Classification Scheme 2023. Collection method: clinical testing. Allele origin: germline.
Comment: The p.N359I variant (also known as c.1076A>T), located in coding exon 1 of the TET2 gene, results from an A to T substitution at nucleotide position 1076. The asparagine at codon 359 is replaced by isoleucine, an amino acid with dissimilar properties. This amino acid position is conserved. In addition, this alteration is predicted to be tolerated by in silico analysis. Based on the available evidence, the clinical significance of this variant remains unclear.

NM_001127208.3(TET2):c.1076A>T (p.Asn359Ile)

Genes: TET2 (tet methylcytosine dioxygenase 2; plus strand), TET2-AS1 (TET2 antisense RNA 1; minus strand). Cytogenetic location: 4q24.
Variant type: single nucleotide variant.
Coding change: c.1076A>T on transcript NM_001127208.3 (MANE Select); coding-DNA position 1076, A replaced by T.
Protein change: p.Asn359Ile; replaces asparagine 359 with isoleucine.
Molecular consequence: missense variant.
Genome position (GRCh38, 1-based): chr4:105,235,018, A>T. VCF-style: chr4-105235018-A-T. GRCh37 (hg19) VCF-style: chr4-106156175-A-T.
Other names: c.1076A>T, p.Asn359Ile (NM_017628.4); short protein forms N359I.
Identifiers: ClinVar variation 4594173 (VCV004594173.1).